The following is an entry in ClinVar:

NM_001256071.3(RNF213):c.7945A>G (p.Arg2649Gly)

Gene: RNF213 (ring finger protein 213; plus strand). Cytogenetic location: 17q25.3.
Variant type: single nucleotide variant.
Coding change: c.7945A>G on transcript NM_001256071.3 (MANE Select); coding-DNA position 7945, A replaced by G.
Protein change: p.Arg2649Gly; replaces arginine 2649 with glycine.
Molecular consequence: missense variant.
Genome position (GRCh38, 1-based): chr17:80,346,280, A>G. VCF-style: chr17-80346280-A-G. GRCh37 (hg19) VCF-style: chr17-78320080-A-G.
Other names: c.8092A>G, p.Arg2698Gly (NM_001410195.1, NM_020914.5); short protein forms R2649G, R2698G.
Identifiers: ClinVar variation 3730970 (VCV003730970.1).

ClinVar aggregate classification (germline): Uncertain significance (1 of 4 stars; one submission).

Submission:

GeneDx
Classification: Uncertain significance. Last evaluated: 2024-08-12. Review status: criteria provided, single submitter. Criteria: GeneDx Variant Classification Process June 2021. Collection method: clinical testing. Allele origin: germline. Affected: yes.
Comment: Not observed at significant frequency in large population cohorts (gnomAD); In silico analysis supports that this missense variant has a deleterious effect on protein structure/function; Has not been previously published as pathogenic or benign to our knowledge